The following is an entry in ClinVar:

NM_003331.5(TYK2):c.1444C>G (p.Arg482Gly)

Gene: TYK2 (tyrosine kinase 2; minus strand). Cytogenetic location: 19p13.2.
Variant type: single nucleotide variant.
Coding change: c.1444C>G on transcript NM_003331.5 (MANE Select); coding-DNA position 1444, C replaced by G.
Protein change: p.Arg482Gly; replaces arginine 482 with glycine.
Molecular consequence: missense variant.
Genome position (GRCh38, 1-based): chr19:10,362,581, G>C on the plus strand (C>G on the coding strand, the complement: TYK2 is on the minus strand). VCF-style: chr19-10362581-G-C. GRCh37 (hg19) VCF-style: chr19-10473257-G-C.
Other names: c.1444C>G (LRG_121t1); short protein forms R482G.
Identifiers: ClinVar variation 426166 (VCV000426166.2), dbSNP rs146770568, ClinGen allele CA305205004.
Genomic context (GRCh38, chr19:10,362,581, plus strand): 5'-CAGCCCCAGCCCCCAGCCCTGGGCTCACCTGGCTACGCTGGGCCACTGTGAGGATCAGGC[G>C]GTAGGGGTGGCTGGTGCTCCAGTGAATGAGGTACAGGCCGTCCTCGGGCCGCAGCTTGGC-3'
Protein context (NP_003322.3, residues 472-492): LIHWSTSHPY[Arg482Gly]LILTVAQRSQ

ClinVar aggregate classification (germline): Uncertain significance (1 of 4 stars; one submission).

Allele frequency attached by ClinVar (database versions not stated): TOPMed 0.00001.

Submission:

GeneDx
Classification: Uncertain significance. Last evaluated: 2017-04-28. Review status: criteria provided, single submitter. Criteria: GeneDx Variant Classification (06012015). Collection method: clinical testing. Allele origin: germline. Affected: yes.
Comment: The R482G variant in the TYK2 gene has not been reported previously as a pathogenic variant, nor as a benign variant, to our knowledge. The R482G variant is not observed in large population cohorts (Lek et al., 2016; 1000 Genomes Consortium et al., 2015; Exome Variant Server). The R482G variant is a non-conservative amino acid substitution, which is likely to impact secondary protein structure as these residues differ in polarity, charge, size and/or other properties. This substitution occurs at a position that is conserved in mammals. In silico analysis predicts this variant is probably damaging to the protein structure/function. We interpret R482G as a variant of uncertain significance.